The following is an entry in ClinVar:

NM_007294.4(BRCA1):c.548-15G>T

Gene: BRCA1 (BRCA1 DNA repair associated; minus strand). Cytogenetic location: 17q21.31.
Variant type: single nucleotide variant.
Coding change: c.548-15G>T on transcript NM_007294.4 (MANE Select); 15 bases into the intron before coding-DNA position 548, G replaced by T.
Molecular consequence: intron variant.
Genome position (GRCh38, 1-based): chr17:43,097,304, C>A on the plus strand (G>T on the coding strand, the complement: BRCA1 is on the minus strand). VCF-style: chr17-43097304-C-A. GRCh37 (hg19) VCF-style: chr17-41249321-C-A.
Other names: c.407-15G>T (NM_001407750.1, NM_001407732.1, NM_001407698.1 and 43 more transcripts); c.467-15G>T (NM_001408413.1, NM_001407660.1, NM_001407661.1 and 3 more transcripts); c.470-2444G>T (NM_001408476.1, NM_001408474.1, NM_001407862.1); c.470-15G>T (NM_001408409.1, NM_001407663.1, NM_001407658.1 and 9 more transcripts); c.335-2444G>T (NM_001407958.1, NM_001407955.1, NM_001407954.1 and 3 more transcripts); c.335-15G>T (NM_001408493.1, NM_001408490.1, NM_001407915.1 and 12 more transcripts); c.338-2444G>T (NM_001408502.1, NM_001407951.1, NM_001407946.1 and 7 more transcripts); c.338-15G>T (NM_001408489.1, NM_001408479.1, NM_001407910.1 and 27 more transcripts); and 17 more.
Identifiers: ClinVar variation 560857 (VCV000560857.6), dbSNP rs755221482, ClinGen allele CA658824560.
Genomic context (GRCh38, chr17:43,097,304, plus strand): 5'-CTGCAATAAGTTGCCTTATTAACGGTATCTTCAGAAGAATCAGATCCTAAAAAATTTCCC[C>A]CCAAAAAATAAATCAATAAAAGTTTTCTTAATTAAAAGGGTTAAAAAAATGTACTTGTTG-3'

ClinVar aggregate classification (germline): Conflicting classifications of pathogenicity. Review status: criteria provided, conflicting classifications (1 of 4 stars). 2 submissions from 2 submitters: Uncertain significance (1); Likely benign (1). Last evaluated 2020-01-15.

Conditions:
Hereditary cancer-predisposing syndrome. Also called: Hereditary neoplastic syndrome; Neoplastic Syndromes, Hereditary; Tumor predisposition; Hereditary Cancer Syndrome. Identifiers: Orphanet 140162, MedGen C0027672, MeSH D009386, MONDO:0015356.

gnomAD v4.1: 3 of 1,608,874 alleles (0.00019%); highest among the groups gnomAD compares: South Asian, 0.0011%; no homozygotes.

Submissions (2):

Color Diagnostics, LLC DBA Color Health
Classification: Uncertain significance for Hereditary cancer-predisposing syndrome. Last evaluated: 2020-01-15. Review status: criteria provided, single submitter. Criteria: ACMG Guidelines, 2015. Collection method: clinical testing. Allele origin: germline.
Comment: This variant causes a G>T nucleotide substitution at the -15 position of intron 7 of the BRCA1 gene. To our knowledge, functional studies have not been performed for this variant. This variant has not been reported in individuals affected with hereditary cancer in the literature. This variant has not been identified in the general population by the Genome Aggregation Database (gnomAD). The available evidence is insufficient to determine the role of this variant in disease conclusively. Therefore, this variant is classified as a Variant of Uncertain Significance.

PreventionGenetics, part of Exact Sciences
Classification: Likely benign. Last evaluated: 2017-03-21. Review status: criteria provided, single submitter. Criteria: ACMG Guidelines, 2015. Collection method: clinical testing. Allele origin: germline.